The following is an entry in ClinVar:

NM_004385.5(VCAN):c.5985C>A (p.Ser1995Arg)

Genes: VCAN (versican; plus strand), VCAN-AS1 (VCAN antisense RNA 1; minus strand). Cytogenetic location: 5q14.3.
Variant type: single nucleotide variant.
Coding change: c.5985C>A on transcript NM_004385.5 (MANE Select); coding-DNA position 5985, C replaced by A.
Protein change: p.Ser1995Arg; replaces serine 1995 with arginine.
Molecular consequence: missense variant. On other transcripts: intron variant (2).
Genome position (GRCh38, 1-based): chr5:83,538,988, C>A. VCF-style: chr5-83538988-C-A. GRCh37 (hg19) VCF-style: chr5-82834807-C-A.
Other names: c.3024C>A, p.Ser1008Arg (NM_001164097.2); c.4004-6549C>A (NM_001164098.2); c.1043-6549C>A (NM_001126336.3); short protein forms S1008R, S1995R.
Identifiers: ClinVar variation 1025804 (VCV001025804.9), dbSNP rs755455076, ClinGen allele CA3333404.

ClinVar aggregate classification (germline): Conflicting classifications of pathogenicity. Review status: criteria provided, conflicting classifications (1 of 4 stars). 2 submissions from 2 submitters: Uncertain significance (1); Likely benign (1). Last evaluated 2023-05-15.

Allele frequency attached by ClinVar (database versions not stated): TOPMed 0.00001.
gnomAD v4.1: 20 of 1,613,996 alleles (0.0012%); highest among the groups gnomAD compares: Non-Finnish European, 0.0017%; no homozygotes.

Submissions (2):

Blueprint Genetics
Classification: Likely benign. Last evaluated: 2023-05-15. Review status: criteria provided, single submitter. Criteria: ACMG Guidelines, 2015. Collection method: clinical testing. Allele origin: germline.

Labcorp Genetics (formerly Invitae), Labcorp
Classification: Uncertain significance. Last evaluated: 2022-01-26. Review status: criteria provided, single submitter. Criteria: Invitae Variant Classification Sherloc (09022015). Collection method: clinical testing. Allele origin: germline.
Comment: In summary, the available evidence is currently insufficient to determine the role of this variant in disease. Therefore, it has been classified as a Variant of Uncertain Significance. Algorithms developed to predict the effect of missense changes on protein structure and function (SIFT, PolyPhen-2, Align-GVGD) all suggest that this variant is likely to be disruptive. This sequence change replaces serine, which is neutral and polar, with arginine, which is basic and polar, at codon 1995 of the VCAN protein (p.Ser1995Arg). This variant is present in population databases (rs755455076, gnomAD 0.008%). This variant has not been reported in the literature in individuals affected with VCAN-related conditions. ClinVar contains an entry for this variant (Variation ID: 1025804).